The following is an entry in ClinVar:

NM_001357.5(DHX9):c.2775G>C (p.Trp925Cys)

Gene: DHX9 (DExH-box helicase 9; plus strand). Cytogenetic location: 1q25.3.
Variant type: single nucleotide variant.
Coding change: c.2775G>C on transcript NM_001357.5 (MANE Select); coding-DNA position 2775, G replaced by C.
Protein change: p.Trp925Cys; replaces tryptophan 925 with cysteine.
Molecular consequence: missense variant. On other transcripts: non-coding transcript variant (1).
Genome position (GRCh38, 1-based): chr1:182,881,414, G>C. VCF-style: chr1-182881414-G-C. GRCh37 (hg19) VCF-style: chr1-182850549-G-C.
Other names: short protein forms W925C.
Identifiers: ClinVar variation 3363658 (VCV003363658.1).

ClinVar aggregate classification (germline): Uncertain significance (1 of 4 stars; one submission).

Submission:

GeneDx
Classification: Uncertain significance. Last evaluated: 2023-10-31. Review status: criteria provided, single submitter. Criteria: GeneDx Variant Classification Process June 2021. Collection method: clinical testing. Allele origin: germline. Affected: yes.
Comment: Not observed at significant frequency in large population cohorts (gnomAD); In silico analysis supports that this missense variant has a deleterious effect on protein structure/function; Has not been previously published as pathogenic or benign to our knowledge